The following is an entry in ClinVar:

ClinVar aggregate classification (germline): Likely pathogenic (1 of 4 stars; one submission).

Conditions:
Zellweger spectrum disorders (ZS). Also called: Zellweger Spectrum Disorder (ZSD); Zellweger syndrome; Zellweger Spectrum Disorder; Zellweger Spectrum. Identifiers: Orphanet 912, MedGen C0043459, MONDO:0019609.

Submission:

Natera, Inc.
Classification: Likely pathogenic for Zellweger syndrome. Last evaluated: 2024-10-14. Review status: criteria provided, single submitter. Criteria: Natera Variant Classification Schema (03/2026). Collection method: clinical testing. Allele origin: germline.
Comment: The c.1830del variant in PEX1 is a frameshift variant predicted to shift the reading frame beginning at codon 611 and leads to a stop codon 34 codons downstream. This variant is expected to result in nonsense mediated decay, truncation, or a dysfunctional protein product. This variant is rare in the general population with a frequency below the threshold expected for the associated phenotype(s). Given the available evidence, this variant is classified as Likely Pathogenic.

NM_000466.3(PEX1):c.1830del (p.Ala611fs)

Gene: PEX1 (peroxisomal biogenesis factor 1; minus strand). Cytogenetic location: 7q21.2.
Variant type: Deletion.
Coding change: c.1830del on transcript NM_000466.3 (MANE Select); coding-DNA position 1830, one base deleted (A; older notation c.1830delA).
Protein change: p.Ala611fs; shifts the reading frame from alanine 611.
Molecular consequence: frameshift variant.
Genome position (GRCh38, 1-based): chr7:92,506,318, T deleted on the plus strand (A on the coding strand, the reverse complement: PEX1 is on the minus strand); the first of 3 consecutive T bases (chr7:92,506,318-92,506,320); deleting any one gives the same sequence. VCF-style (leftmost placement, unchanged base first): chr7-92506317-CT-C. GRCh37 (hg19) VCF-style: chr7-92135631-CT-C.
Other names: c.1830del, p.Ala611fs (NM_001282677.2); c.1206del, p.Ala403fs (NM_001282678.2); short protein forms A403fs, A611fs.
Identifiers: ClinVar variation 4818385 (VCV004818385.1).